The following is an entry in ClinVar:

NM_020399.4(GOPC):c.441G>A (p.Lys147=)

Gene: GOPC (golgi associated PDZ and coiled-coil motif containing; minus strand). Cytogenetic location: 6q22.1.
Variant type: single nucleotide variant.
Coding change: c.441G>A on transcript NM_020399.4 (MANE Select); coding-DNA position 441, G replaced by A.
Protein change: p.Lys147=; no amino-acid change (lysine 147 retained).
Molecular consequence: synonymous variant.
Genome position (GRCh38, 1-based): chr6:117,578,909, C>T on the plus strand (G>A on the coding strand, the complement: GOPC is on the minus strand). VCF-style: chr6-117578909-C-T. GRCh37 (hg19) VCF-style: chr6-117900072-C-T.
Other names: c.441G>A, p.Lys147= (NM_001017408.3).
Identifiers: ClinVar variation 2656876 (VCV002656876.24), dbSNP rs41302045, ClinGen allele CA3976944.
Genomic context (GRCh38, chr6:117,578,909, plus strand): 5'-GTACACCCTGTAAAATACATGCAAGGGCATGTCACTCTCTAAACTACTTACCAATTTTGC[C>T]TTAATGGTACCAGAGTCAGCACTTTGACCAGTTTTAGCATGAAGCTGCAGCTGAATAGAG-3'
Protein context (NP_065132.1, residues 137-157): TGQSADSGTI[Lys147=]AKLSGPSVEE

ClinVar aggregate classification (germline): Likely benign (1 of 4 stars; one submission).

Allele frequency attached by ClinVar (database versions not stated): 1000 Genomes Project 0.00140; 1000 Genomes Project 30x 0.00141; ESP Exome Variant Server 0.00238; gnomAD 0.00286; TOPMed 0.00311; ExAC 0.00361.
gnomAD v4.1: 6,491 of 1,587,216 alleles (0.41%); highest among the groups gnomAD compares: Middle Eastern, 2.4%; 25 homozygotes.

Submission:

CeGaT Center for Human Genetics Tuebingen
Classification: Likely benign. Last evaluated: 2023-02-01. Review status: criteria provided, single submitter. Criteria: CeGaT Center For Human Genetics Tuebingen Variant Classification Criteria Version 2. Collection method: clinical testing. Allele origin: germline. Affected: yes. Observed: 1 variant allele.
Comment: GOPC: BP4, BP7